The following is an entry in ClinVar:

NM_001987.5(ETV6):c.63G>C (p.Glu21Asp)

Gene: ETV6 (ETS variant transcription factor 6; plus strand). Cytogenetic location: 12p13.2.
Variant type: single nucleotide variant.
Coding change: c.63G>C on transcript NM_001987.5 (MANE Select); coding-DNA position 63, G replaced by C.
Protein change: p.Glu21Asp; replaces glutamic acid 21 with aspartic acid.
Molecular consequence: missense variant. On other transcripts: intron variant (1).
Genome position (GRCh38, 1-based): chr12:11,752,479, G>C. VCF-style: chr12-11752479-G-C. GRCh37 (hg19) VCF-style: chr12-11905413-G-C.
Other names: c.60G>C, p.Glu20Asp (NM_001413913.1); c.36G>C, p.Glu12Asp (NM_001413914.1); c.63G>C, p.Glu21Asp (NM_001413916.1, NM_001413917.1, NM_001413918.1); c.-101-86661G>C (NM_001413915.1); short protein forms E12D, E20D, E21D.
Identifiers: ClinVar variation 3907727 (VCV003907727.3).

ClinVar aggregate classification (germline): Uncertain significance. Review status: criteria provided, multiple submitters, no conflicts (2 of 4 stars). 2 submissions from 2 submitters: Uncertain significance (2). Last evaluated 2026-07-10.

Conditions:
Inborn genetic diseases. Identifiers: MedGen C0950123, MeSH D030342.

gnomAD v4.1: 2 of 1,613,620 alleles (0.00012%); highest among the groups gnomAD compares: Admixed American, 0.0017%; no homozygotes.

Submissions (2):

GeneDx
Classification: Uncertain significance. Last evaluated: 2026-07-10. Review status: criteria provided, single submitter. Criteria: GeneDx Variant Classification Process June 2021. Collection method: clinical testing. Allele origin: germline.
Comment: Not observed at significant frequency in large population cohorts (gnomAD); In silico analysis indicates that this missense variant does not alter protein structure/function; Has not been previously published as pathogenic or benign to our knowledge

Ambry Genetics
Classification: Uncertain significance for Inborn genetic diseases. Last evaluated: 2025-04-20. Review status: criteria provided, single submitter. Criteria: Ambry Variant Classification Scheme 2023. Collection method: clinical testing. Allele origin: germline.
Comment: The p.E21D variant (also known as c.63G>C), located in coding exon 2 of the ETV6 gene, results from a G to C substitution at nucleotide position 63. The glutamic acid at codon 21 is replaced by aspartic acid, an amino acid with highly similar properties. This amino acid position is conserved. In addition, this alteration is predicted to be tolerated by in silico analysis. Based on the available evidence, the clinical significance of this variant remains unclear.